The following is an entry in ClinVar:

NM_024675.4(PALB2):c.1937G>A (p.Arg646Lys)

Gene: PALB2 (partner and localizer of BRCA2; minus strand). Cytogenetic location: 16p12.2.
Variant type: single nucleotide variant.
Coding change: c.1937G>A on transcript NM_024675.4 (MANE Select); coding-DNA position 1937, G replaced by A.
Protein change: p.Arg646Lys; replaces arginine 646 with lysine.
Molecular consequence: missense variant.
Genome position (GRCh38, 1-based): chr16:23,630,217, C>T on the plus strand (G>A on the coding strand, the complement: PALB2 is on the minus strand). VCF-style: chr16-23630217-C-T. GRCh37 (hg19) VCF-style: chr16-23641538-C-T.
Other names: short protein forms R646K.
Identifiers: ClinVar variation 946556 (VCV000946556.14), dbSNP rs1966863262, ClinGen allele CA395127449.

ClinVar aggregate classification (germline): Uncertain significance. Review status: criteria provided, multiple submitters, no conflicts (2 of 4 stars). 2 submissions from 2 submitters: Uncertain significance (2). Last evaluated 2025-05-31.

Conditions:
Familial cancer of breast. Also called: Hereditary breast cancer; hereditary breast carcinoma; BREAST CANCER, FAMILIAL. Identifiers: Orphanet 227535, MedGen C0346153, MONDO:0016419, OMIM 114480. Disease mechanism: loss of function.
Hereditary cancer-predisposing syndrome. Also called: Hereditary neoplastic syndrome; Neoplastic Syndromes, Hereditary; Tumor predisposition; Hereditary Cancer Syndrome. Identifiers: Orphanet 140162, MedGen C0027672, MeSH D009386, MONDO:0015356.

Submissions (2):

Ambry Genetics
Classification: Uncertain significance for Hereditary cancer-predisposing syndrome. Last evaluated: 2025-05-31. Review status: criteria provided, single submitter. Criteria: Ambry Variant Classification Scheme 2023. Collection method: clinical testing. Allele origin: germline.
Comment: The p.R646K variant (also known as c.1937G>A), located in coding exon 5 of the PALB2 gene, results from a G to A substitution at nucleotide position 1937. The arginine at codon 646 is replaced by lysine, an amino acid with highly similar properties. This amino acid position is poorly conserved in available vertebrate species. In addition, this alteration is predicted to be tolerated by in silico analysis. Since supporting evidence is limited at this time, the clinical significance of this alteration remains unclear.

Labcorp Genetics (formerly Invitae), Labcorp
Classification: Uncertain significance for Familial cancer of breast. Last evaluated: 2022-02-11. Review status: criteria provided, single submitter. Criteria: Invitae Variant Classification Sherloc (09022015). Collection method: clinical testing. Allele origin: germline.
Comment: This sequence change replaces arginine, which is basic and polar, with lysine, which is basic and polar, at codon 646 of the PALB2 protein (p.Arg646Lys). In summary, the available evidence is currently insufficient to determine the role of this variant in disease. Therefore, it has been classified as a Variant of Uncertain Significance. Algorithms developed to predict the effect of missense changes on protein structure and function output the following: SIFT: "Tolerated"; PolyPhen-2: "Benign"; Align-GVGD: "Class C0". The lysine amino acid residue is found in multiple mammalian species, which suggests that this missense change does not adversely affect protein function. ClinVar contains an entry for this variant (Variation ID: 946556). This variant has not been reported in the literature in individuals affected with PALB2-related conditions. This variant is not present in population databases (gnomAD no frequency).